The following is an entry in ClinVar:

NM_000038.6(APC):c.7524A>G (p.Pro2508=)

Gene: APC (APC regulator of Wnt signaling pathway; plus strand). Cytogenetic location: 5q22.2.
Variant type: single nucleotide variant.
Coding change: c.7524A>G on transcript NM_000038.6 (MANE Select); coding-DNA position 7524, A replaced by G.
Protein change: p.Pro2508=; no amino-acid change (proline 2508 retained).
Molecular consequence: synonymous variant. On other transcripts: non-coding transcript variant (2).
Genome position (GRCh38, 1-based): chr5:112,843,118, A>G. VCF-style: chr5-112843118-A-G. GRCh37 (hg19) VCF-style: chr5-112178815-A-G.
Other names: c.7524A>G, p.Pro2508= (NM_001127510.3, NM_001354895.2, NM_001407450.1); c.7470A>G, p.Pro2490= (NM_001127511.3); c.7578A>G, p.Pro2526= (NM_001354896.2, NM_001407447.1, NM_001407448.1 and 1 more transcripts); c.7554A>G, p.Pro2518= (NM_001354897.2); c.7449A>G, p.Pro2483= (NM_001354898.2); c.7440A>G, p.Pro2480= (NM_001354899.2); c.7401A>G, p.Pro2467= (NM_001354900.2); c.7347A>G, p.Pro2449= (NM_001354901.2, NM_001407453.1); and 11 more.
Identifiers: ClinVar variation 3253982 (VCV003253982.2), dbSNP rs2149988898.

ClinVar aggregate classification (germline): Benign/Likely benign. Review status: criteria provided, multiple submitters, no conflicts (2 of 4 stars). 3 submissions from 3 submitters: Benign (1); Likely benign (2). Last evaluated 2026-01-19.

Conditions:
Hereditary cancer-predisposing syndrome. Also called: Hereditary neoplastic syndrome; Neoplastic Syndromes, Hereditary; Tumor predisposition; Hereditary Cancer Syndrome. Identifiers: Orphanet 140162, MedGen C0027672, MeSH D009386, MONDO:0015356.
Familial adenomatous polyposis 1 (FAP1). Also called: POLYPOSIS, ADENOMATOUS INTESTINAL; FAMILIAL ADENOMATOUS POLYPOSIS 1, ATTENUATED. Identifiers: MedGen C2713442, MONDO:0021056, OMIM 175100. Disease mechanism: loss of function.

Submissions (3):

Labcorp Genetics (formerly Invitae), Labcorp
Classification: Likely benign for Familial adenomatous polyposis 1. Last evaluated: 2026-01-19. Review status: criteria provided, single submitter. Criteria: Invitae Variant Classification Sherloc (09022015). Collection method: clinical testing. Allele origin: germline.

Color Diagnostics, LLC DBA Color Health
Classification: Likely benign for Hereditary cancer-predisposing syndrome. Last evaluated: 2025-05-12. Review status: criteria provided, single submitter. Criteria: ACMG Guidelines, 2015. Collection method: clinical testing. Allele origin: germline.

Myriad Genetics, Inc.
Classification: Benign for Familial adenomatous polyposis 1. Last evaluated: 2024-04-09. Review status: criteria provided, single submitter. Criteria: Myriad Autosomal Dominant, Autosomal Recessive and X-Linked Classification Criteria (2023). Collection method: clinical testing. Allele origin: unknown.
Comment: This variant is considered benign. This variant is a silent/synonymous amino acid change and it is not expected to impact splicing.